The following is an entry in ClinVar:

NM_000543.5(SMPD1):c.262_311del (p.Asn88fs)

Gene: SMPD1 (sphingomyelin phosphodiesterase 1; plus strand). Cytogenetic location: 11p15.4.
Variant type: Deletion.
Coding change: c.262_311del on transcript NM_000543.5 (MANE Select); coding-DNA positions 262 to 311, 50 bases deleted.
Protein change: p.Asn88fs; shifts the reading frame from asparagine 88.
Molecular consequence: frameshift variant. On other transcripts: 5 prime UTR variant (1), non-coding transcript variant (2).
Genome position (GRCh38, 1-based): chr11:6,390,860-6,390,909, 50 bases deleted; deleting any 50 consecutive bases within chr11:6,390,858-6,390,909 gives the same sequence; the c. name uses the placement nearest the transcript's 3' end. GRCh37 (hg19): chr11:6,412,090-6,412,139.
Other names: c.262_311del, p.Asn88fs (NM_001007593.3, NM_001318087.2, NM_001365135.2); c.-700_-651del (NM_001318088.2); short protein forms N88fs.
Identifiers: ClinVar variation 3754483 (VCV003754483.2).

ClinVar aggregate classification (germline): Pathogenic (1 of 4 stars; one submission).

Conditions:
Niemann-Pick disease, type B. Also called: Chronic Visceral ASMD (Niemann-Pick Disease Type B; NPD-B). Identifiers: Orphanet 77293, MedGen C0268243, MONDO:0011871, OMIM 607616. Disease mechanism: loss of function.
Niemann-Pick disease, type A. Also called: Infantile Neurovisceral ASMD (Niemann-Pick Disease Type A; NPD-A); SPHINGOMYELIN LIPIDOSIS; SPHINGOMYELINASE DEFICIENCY. Identifiers: Orphanet 77292, MedGen C0268242, MONDO:0009756, OMIM 257200. Disease mechanism: loss of function.

Submission:

Labcorp Genetics (formerly Invitae), Labcorp
Classification: Pathogenic for Niemann-Pick disease, type B; Niemann-Pick disease, type A. Last evaluated: 2024-02-07. Review status: criteria provided, single submitter. Criteria: Invitae Variant Classification Sherloc (09022015). Collection method: clinical testing. Allele origin: germline.
Comment: This sequence change creates a premature translational stop signal (p.Asn88Alafs*37) in the SMPD1 gene. It is expected to result in an absent or disrupted protein product. Loss-of-function variants in SMPD1 are known to be pathogenic (PMID: 12369017, 15221801). This variant is not present in population databases (gnomAD no frequency). This variant has not been reported in the literature in individuals affected with SMPD1-related conditions. For these reasons, this variant has been classified as Pathogenic.

Literature cited by the submitters: PubMed 12369017; PubMed 15221801.